The following is an entry in ClinVar:

ClinVar aggregate classification (germline): Uncertain significance (1 of 4 stars; one submission).

Conditions:
COL4A2-related disorder. Also called: COL4A2-related disorders; COL4A2-related condition.

Submission:

PreventionGenetics, part of Exact Sciences
Classification: Uncertain significance for COL4A2-related condition. Last evaluated: 2025-01-05. Review status: criteria provided, single submitter. Criteria: ACMG Guidelines, 2015. Collection method: clinical testing. Allele origin: germline.
Comment: The COL4A2 c.4146_4202del57 variant is predicted to result in an in-frame deletion (p.Ala1387_Gly1405del). To our knowledge, this variant has not been reported in the literature or in a large population database (gnomAD), indicating this variant is rare. This variant results in an in-frame deletion of within the collagen triple helical region of the COL4A2 protein. Missense variants affecting glycine residues in this region are frequently pathogenic (Fidler et al. 2018. PubMed ID: 29632050). In-frame deletions in this region have been rarely reported as pathogenic (Hausman-Kedem. 2021. PubMed ID: 33837277; Table S3, Uemura et al. 2023. PubMed ID: 36261288. In ClinVar an overlapping in-frame deletion (p.Thr1384_Gly1389del) has been interpreted as likely pathogenic (ClinVar ID: 996003). Although we suspect that this variant may be pathogenic, at this time, the clinical significance of this variant is uncertain due to the absence of conclusive functional and genetic evidence.

NM_001846.4(COL4A2):c.4146_4202del (p.Ala1387_Gly1405del)

Genes: COL4A2 (collagen type IV alpha 2 chain; plus strand), COL4A2-AS1 (COL4A2 antisense RNA 1; minus strand). Cytogenetic location: 13q34.
Variant type: Deletion.
Coding change: c.4146_4202del on transcript NM_001846.4 (MANE Select); coding-DNA positions 4146 to 4202, 57 bases deleted.
Protein change: p.Ala1387_Gly1405del.
Molecular consequence: inframe deletion.
Genome position (GRCh38, 1-based): chr13:110,503,854-110,503,910, 57 bases deleted. GRCh37 (hg19): chr13:111,156,201-111,156,257.
Identifiers: ClinVar variation 4999316 (VCV004999316.1).